The following is an entry in ClinVar:

NM_033056.4(PCDH15):c.5281_5292del (p.Ala1761_Pro1764del)

Gene: PCDH15 (protocadherin related 15; minus strand). Cytogenetic location: 10q21.1.
Variant type: Deletion.
Coding change: c.5281_5292del on transcript NM_033056.4 (MANE Plus Clinical); coding-DNA positions 5281 to 5292, 12 bases deleted (GCTCCTGCTCCT).
Protein change: p.Ala1761_Pro1764del.
Molecular consequence: inframe deletion. On other transcripts: intron variant (8).
Genome position (GRCh38, 1-based): chr10:53,822,434-53,822,445, AGGAGCAGGAGC deleted on the plus strand (GCTCCTGCTCCT on the coding strand, the reverse complement: PCDH15 is on the minus strand); deleting any 12 consecutive bases within chr10:53,822,434-53,822,450 gives the same sequence; the c. name uses the placement nearest the transcript's 3' end. VCF-style (leftmost placement, unchanged base first): chr10-53822433-GAGGAGCAGGAGC-G. GRCh37 (hg19) VCF-style: chr10-55582193-GAGGAGCAGGAGC-G.
Other names: c.5281_5292del12 (NM_033056.3); c.5302_5313del, p.Ala1768_Pro1771del (NM_001142763.2); c.5287_5298del, p.Ala1763_Pro1766del (NM_001142764.2); c.5074_5085del, p.Ala1692_Pro1695del (NM_001142765.2); c.5272_5283del, p.Ala1758_Pro1761del (NM_001142766.2); c.5161_5172del, p.Ala1721_Pro1724del (NM_001142767.2); c.5221_5232del, p.Ala1741_Pro1744del (NM_001142768.2); c.5212_5223del, p.Ala1738_Pro1741del (NM_001142773.2); and 8 more.
Identifiers: ClinVar variation 1597813 (VCV001597813.11), dbSNP rs397517465, ClinGen allele CA5505075.

ClinVar aggregate classification (germline): Conflicting classifications of pathogenicity. Review status: criteria provided, conflicting classifications (1 of 4 stars). 3 submissions from 3 submitters: Uncertain significance (2); Likely benign (1). Last evaluated 2026-07-20.

Conditions:
PCDH15-related disorder. Also called: PCDH15-related condition; PCDH15-related disorders.

Submissions (3):

PreventionGenetics, part of Exact Sciences
Classification: Uncertain significance for PCDH15-related condition. Last evaluated: 2026-07-20. Review status: criteria provided, single submitter. Criteria: ACMG Guidelines, 2015. Collection method: clinical testing. Allele origin: germline.
Comment: The PCDH15 c.5281_5292del12 variant is predicted to result in an in-frame deletion (p.Ala1761_Pro1764del). To our knowledge, this variant has not been reported in the literature. This variant is reported in 0.021% of alleles in individuals of Ashkenazi Jewish descent in gnomAD. At this time, the clinical significance of this variant is uncertain due to the absence of conclusive functional and genetic evidence.

GeneDx
Classification: Uncertain significance. Last evaluated: 2025-12-09. Review status: criteria provided, single submitter. Criteria: GeneDx Variant Classification Process June 2021. Collection method: clinical testing. Allele origin: germline. Affected: yes.
Comment: In-frame deletion of 4 amino acids in a non-repeat region; In silico analysis suggests that this variant does not alter protein structure/function; Has not been previously published as pathogenic or benign to our knowledge

Labcorp Genetics (formerly Invitae), Labcorp
Classification: Likely benign. Last evaluated: 2024-02-16. Review status: criteria provided, single submitter. Criteria: Invitae Variant Classification Sherloc (09022015). Collection method: clinical testing. Allele origin: germline.